The following is an entry in ClinVar:

ClinVar aggregate classification (germline): Pathogenic (1 of 4 stars; one submission).

Allele frequency attached by ClinVar (database versions not stated): gnomAD exomes below 0.00001.
gnomAD v4.1: 1 of 1,613,772 alleles (0.000062%); highest among the groups gnomAD compares: Non-Finnish European, 0.000085%; no homozygotes.

Submission:

Labcorp Genetics (formerly Invitae), Labcorp
Classification: Pathogenic. Last evaluated: 2024-05-20. Review status: criteria provided, single submitter. Criteria: Invitae Variant Classification Sherloc (09022015). Collection method: clinical testing. Allele origin: germline.
Comment: This sequence change creates a premature translational stop signal (p.Gln1422*) in the MYO15A gene. It is expected to result in an absent or disrupted protein product. Loss-of-function variants in MYO15A are known to be pathogenic (PMID: 17546645). This variant is not present in population databases (gnomAD no frequency). This variant has not been reported in the literature in individuals affected with MYO15A-related conditions. For these reasons, this variant has been classified as Pathogenic.

Literature cited by the submitters: PubMed 17546645.

NM_016239.4(MYO15A):c.4264C>T (p.Gln1422Ter)

Gene: MYO15A (myosin XVA; plus strand). Cytogenetic location: 17p11.2.
Variant type: single nucleotide variant.
Coding change: c.4264C>T on transcript NM_016239.4 (MANE Select); coding-DNA position 4264, C replaced by T.
Protein change: p.Gln1422Ter; replaces glutamine 1422 with a stop codon.
Molecular consequence: nonsense.
Genome position (GRCh38, 1-based): chr17:18,132,510, C>T. VCF-style: chr17-18132510-C-T. GRCh37 (hg19) VCF-style: chr17-18035824-C-T.
Other names: short protein forms Q1422*.
Identifiers: ClinVar variation 2702316 (VCV002702316.3), dbSNP rs2545224454, ClinGen allele CA398593348.